The following is an entry in ClinVar:

NM_000059.4(BRCA2):c.1334del (p.Ser445fs)

Gene: BRCA2 (BRCA2 DNA repair associated; plus strand). Cytogenetic location: 13q13.1.
Variant type: Deletion.
Coding change: c.1334del on transcript NM_000059.4 (MANE Select); coding-DNA position 1334, one base deleted (C; older notation c.1334delC).
Protein change: p.Ser445fs; shifts the reading frame from serine 445.
Molecular consequence: frameshift variant.
Genome position (GRCh38, 1-based): chr13:32,332,812, C deleted. VCF-style (leftmost placement, unchanged base first): chr13-32332811-TC-T. GRCh37 (hg19) VCF-style: chr13-32906948-TC-T.
Other names: 1562delC; short protein forms S445fs.
Identifiers: ClinVar variation 266629 (VCV000266629.5), dbSNP rs886040361, ClinGen allele CA10589088.
Genomic context (GRCh38, chr13:32,332,811, plus strand): 5'-GAAAAAGACCTATTAGACACAGAGAACAAAAGAAAGAAAGATTTTCTTACTTCAGAGAAT[TC>T]TTTGCCACGTATTTCTAGCCTACCAAAATCAGAGAAGCCATTAAATGAGGAAACAGTGGT-3'

ClinVar aggregate classification (germline): Pathogenic. Review status: reviewed by expert panel (3 of 4 stars). 2 submissions from 2 submitters: Pathogenic (1). 1 of the submissions does not count toward it. Last evaluated 2016-10-18.

Conditions:
Breast-ovarian cancer, familial, susceptibility to, 2 (BROVCA2). Also called: BRCA2 Hereditary Breast and Ovarian Cancer. Identifiers: Orphanet 145, MedGen C2675520, MONDO:0012933, OMIM 612555. Disease mechanism: loss of function.

Submissions (2):

Evidence-based Network for the Interpretation of Germline Mutant Alleles (ENIGMA)
Classification: Pathogenic for Breast-ovarian cancer, familial, susceptibility to, 2. Last evaluated: 2016-10-18. Review status: reviewed by expert panel. Criteria: ENIGMA BRCA1/2 Classification Criteria (2015). Collection method: curation. Allele origin: germline.
Comment: Variant allele predicted to encode a truncated non-functional protein.

Consortium of Investigators of Modifiers of BRCA1/2 (CIMBA), c/o University of Cambridge
Classification: Pathogenic for Breast-ovarian cancer, familial, susceptibility to, 2. Last evaluated: 2015-10-02. Review status: criteria provided, single submitter. Criteria: CIMBA Mutation Classification guidelines May 2016. Collection method: clinical testing. Allele origin: germline. Not counted in ClinVar's aggregate classification.